The following is an entry in ClinVar:

ClinVar aggregate classification (germline): Uncertain significance (1 of 4 stars; one submission).

Conditions:
Emery-Dreifuss muscular dystrophy 5, autosomal dominant (EDMD5). Also called: EMERY-DREIFUSS MUSCULAR DYSTROPHY 5. Identifiers: Orphanet 261, MedGen C2751805, MONDO:0013072, OMIM 612999.

Submission:

Labcorp Genetics (formerly Invitae), Labcorp
Classification: Uncertain significance for Emery-Dreifuss muscular dystrophy 5, autosomal dominant. Last evaluated: 2025-01-21. Review status: criteria provided, single submitter. Criteria: Invitae Variant Classification Sherloc (09022015). Collection method: clinical testing. Allele origin: germline.
Comment: This sequence change replaces glutamine, which is neutral and polar, with glutamic acid, which is acidic and polar, at codon 991 of the SYNE2 protein (p.Gln991Glu). This variant is not present in population databases (gnomAD no frequency). This variant has not been reported in the literature in individuals affected with SYNE2-related conditions. An algorithm developed to predict the effect of missense changes on protein structure and function (PolyPhen-2) suggests that this variant is likely to be tolerated. In summary, the available evidence is currently insufficient to determine the role of this variant in disease. Therefore, it has been classified as a Variant of Uncertain Significance.

NM_182914.3(SYNE2):c.2971C>G (p.Gln991Glu)

Gene: SYNE2 (spectrin repeat containing nuclear envelope protein 2; plus strand). Cytogenetic location: 14q23.2.
Variant type: single nucleotide variant.
Coding change: c.2971C>G on transcript NM_182914.3 (MANE Select); coding-DNA position 2971, C replaced by G.
Protein change: p.Gln991Glu; replaces glutamine 991 with glutamic acid.
Molecular consequence: missense variant.
Genome position (GRCh38, 1-based): chr14:63,996,977, C>G. VCF-style: chr14-63996977-C-G. GRCh37 (hg19) VCF-style: chr14-64463695-C-G.
Other names: c.2971C>G, p.Gln991Glu (NM_015180.6); short protein forms Q991E.
Identifiers: ClinVar variation 3692257 (VCV003692257.2).